The following is an entry in ClinVar:

ClinVar aggregate classification (germline): Benign (1 of 4 stars; one submission).

Allele frequency attached by ClinVar (database versions not stated): gnomAD exomes 0.11445; gnomAD 0.19381 and 0.19823; TOPMed 0.21145; 1000 Genomes Project 0.22105; 1000 Genomes Project 30x 0.22502.
gnomAD v4.1: 113,819 of 890,162 alleles (13%); highest among the groups gnomAD compares: African/African-American, 42%; 11,029 homozygotes.

Submission:

GeneDx
Classification: Benign. Last evaluated: 2018-06-19. Review status: criteria provided, single submitter. Criteria: GeneDx Variant Classification (06012015). Collection method: clinical testing. Allele origin: germline. Affected: yes.
Comment: This variant is considered likely benign or benign based on one or more of the following criteria: it is a conservative change, it occurs at a poorly conserved position in the protein, it is predicted to be benign by multiple in silico algorithms, and/or has population frequency not consistent with disease.

NM_001848.3(COL6A1):c.228-140G>C

Gene: COL6A1 (collagen type VI alpha 1 chain; plus strand). Cytogenetic location: 21q22.3.
Variant type: single nucleotide variant.
Coding change: c.228-140G>C on transcript NM_001848.3 (MANE Select); 140 bases into the intron before coding-DNA position 228, G replaced by C.
Molecular consequence: intron variant.
Genome position (GRCh38, 1-based): chr21:45,984,129, G>C. VCF-style: chr21-45984129-G-C. GRCh37 (hg19) VCF-style: chr21-47404043-G-C.
Identifiers: ClinVar variation 679173 (VCV000679173.1), dbSNP rs3746992, ClinGen allele CA14899427.